The following is an entry in ClinVar:

NM_004656.4(BAP1):c.1937_1938del (p.Asn645_Tyr646insTer)

Gene: BAP1 (BRCA1 associated deubiquitinase 1; minus strand). Cytogenetic location: 3p21.1.
Variant type: Deletion.
Coding change: c.1937_1938del on transcript NM_004656.4 (MANE Select); coding-DNA positions 1937 to 1938, 2 bases deleted (AT; older notation c.1937_1938delAT).
Protein change: p.Asn645_Tyr646insTer.
Molecular consequence: nonsense.
Genome position (GRCh38, 1-based): chr3:52,402,824-52,402,825, AT deleted on the plus strand (AT on the coding strand, the reverse complement: BAP1 is on the minus strand); deleting any 2 consecutive bases within chr3:52,402,824-52,402,826 gives the same sequence; the c. name uses the placement nearest the transcript's 3' end. VCF-style (leftmost placement, unchanged base first): chr3-52402823-CAT-C. GRCh37 (hg19) VCF-style: chr3-52436839-CAT-C.
Other names: c.1883_1884del, p.Asn627_Tyr628insTer (NM_001410772.1).
Identifiers: ClinVar variation 4750063 (VCV004750063.1).

ClinVar aggregate classification (germline): Pathogenic (1 of 4 stars; one submission).

Conditions:
BAP1-related tumor predisposition syndrome (TPDS1). Also called: COMMON Syndrome; Tumor susceptibility linked to germline BAP1 mutations; TUMOR PREDISPOSITION SYNDROME 1; BAP1 tumor predisposition syndrome. Identifiers: Orphanet 289539, MedGen C3280492, MONDO:0013692, OMIM 614327.

Submission:

Labcorp Genetics (formerly Invitae), Labcorp
Classification: Pathogenic for BAP1-related tumor predisposition syndrome. Last evaluated: 2026-01-18. Review status: criteria provided, single submitter. Criteria: Invitae Variant Classification Sherloc (09022015). Collection method: clinical testing. Allele origin: germline.
Comment: This sequence change creates a premature translational stop signal (p.Tyr646*) in the BAP1 gene. It is expected to result in an absent or disrupted protein product. Loss-of-function variants in BAP1 are known to be pathogenic (PMID: 21874000, 23684012). This variant is not present in population databases (gnomAD no frequency). This premature translational stop signal has been observed in individual(s) with mesothelioma and cutaneous melanoma (PMID: 26409435). It has also been observed to segregate with disease in related individuals. Algorithms developed to predict the effect of sequence changes on RNA splicing suggest that this variant may disrupt the consensus splice site. For these reasons, this variant has been classified as Pathogenic.

Literature cited by the submitters: PubMed 21874000; PubMed 23684012; PubMed 26409435.